The following is an entry in ClinVar:

ClinVar aggregate classification (germline): Uncertain significance (1 of 4 stars; one submission).

Conditions:
Dyskeratosis congenita. Identifiers: Orphanet 1775, MedGen C0265965, MONDO:0015780.

Submission:

Ambry Genetics
Classification: Uncertain significance for Dyskeratosis congenita. Last evaluated: 2024-01-09. Review status: criteria provided, single submitter. Criteria: Ambry Variant Classification Scheme 2023. Collection method: clinical testing. Allele origin: germline.
Comment: The p.A49P variant (also known as c.145G>C), located in coding exon 1 of the TERT gene, results from a G to C substitution at nucleotide position 145. The alanine at codon 49 is replaced by proline, an amino acid with highly similar properties. This amino acid position is conserved. In addition, the in silico prediction for this alteration is inconclusive. Since supporting evidence is limited at this time, the clinical significance of this alteration remains unclear.

NM_198253.3(TERT):c.145G>C (p.Ala49Pro)

Genes: TERT (telomerase reverse transcriptase; minus strand), LOC110806263 (TERT 5' regulatory region; plus strand). Cytogenetic location: 5p15.33.
Variant type: single nucleotide variant.
Coding change: c.145G>C on transcript NM_198253.3 (MANE Select); coding-DNA position 145, G replaced by C.
Protein change: p.Ala49Pro; replaces alanine 49 with proline.
Molecular consequence: missense variant. On other transcripts: non-coding transcript variant (2).
Genome position (GRCh38, 1-based): chr5:1,294,845, C>G on the plus strand (G>C on the coding strand, the complement: TERT is on the minus strand). VCF-style: chr5-1294845-C-G. GRCh37 (hg19) VCF-style: chr5-1294960-C-G.
Other names: c.145G>C, p.Ala49Pro (NM_001193376.3, NM_003219.1); short protein forms A49P.
Identifiers: ClinVar variation 3238511 (VCV003238511.1), dbSNP rs2126691721.